The following is an entry in ClinVar:

NM_004145.4(MYO9B):c.5056G>A (p.Gly1686Arg)

Gene: MYO9B (myosin IXB; plus strand). Cytogenetic location: 19p13.11.
Variant type: single nucleotide variant.
Coding change: c.5056G>A on transcript NM_004145.4 (MANE Select); coding-DNA position 5056, G replaced by A.
Protein change: p.Gly1686Arg; replaces glycine 1686 with arginine.
Molecular consequence: missense variant.
Genome position (GRCh38, 1-based): chr19:17,205,328, G>A. VCF-style: chr19-17205328-G-A. GRCh37 (hg19) VCF-style: chr19-17316137-G-A.
Other names: NC_000019.9:g.17316137G>A; c.5056G>A, p.Gly1686Arg (NM_001130065.2); c.5056G>A (NM_001130065.1); short protein forms G1686R.
Identifiers: ClinVar variation 714783 (VCV000714783.8), dbSNP rs61734357, ClinGen allele CA9288400.

ClinVar aggregate classification (germline): Benign. Review status: criteria provided, multiple submitters, no conflicts (2 of 4 stars). 3 submissions from 3 submitters: Benign (2). 1 of the submissions does not count toward it. Last evaluated 2019-12-31.

Conditions:
MYO9B-related disorder. Also called: MYO9B-related condition.

Allele frequency attached by ClinVar (database versions not stated): gnomAD exomes 0.00298; ExAC 0.00340; 1000 Genomes Project 0.01058; ESP Exome Variant Server 0.01130; 1000 Genomes Project 30x 0.01140; gnomAD 0.01176 and 0.01263; TOPMed 0.01335.
gnomAD v4.1: 3,516 of 1,613,600 alleles (0.22%); highest among the groups gnomAD compares: African/African-American, 4%; 48 homozygotes.

Submissions (9):

Labcorp Genetics (formerly Invitae), Labcorp
Classification: Benign. Last evaluated: 2019-12-31. Review status: criteria provided, single submitter. Criteria: Invitae Variant Classification Sherloc (09022015). Collection method: clinical testing. Allele origin: germline.

Breakthrough Genomics
Classification: Benign. Review status: criteria provided, single submitter. Criteria: ACMG Guidelines, 2015. Collection method: not provided. Allele origin: germline. Inheritance: Unknown mechanism. Affected: yes.

PreventionGenetics, part of Exact Sciences
Classification: Benign for MYO9B-related condition. Last evaluated: 2020-01-20. Review status: no assertion criteria provided. Collection method: clinical testing. Allele origin: germline. Not counted in ClinVar's aggregate classification.
Comment: This variant is classified as benign based on ACMG/AMP sequence variant interpretation guidelines (Richards et al. 2015 PMID: 25741868, with internal and published modifications).

Dr. Peter K. Rogan Lab, Western University
No classification provided (evidence only). Condition: Adrenocortical carcinoma, hereditary. Review status: no classification provided. Collection method: in vitro. Allele origin: not applicable. Functional consequence: retained intron. Not counted in ClinVar's aggregate classification.

Dr. Peter K. Rogan Lab, Western University
No classification provided (evidence only). Condition: Malignant tumor of esophagus. Review status: no classification provided. Collection method: in vitro. Allele origin: not applicable. Functional consequence: retained intron. Not counted in ClinVar's aggregate classification.

Dr. Peter K. Rogan Lab, Western University
No classification provided (evidence only). Condition: Acute myeloid leukemia. Review status: no classification provided. Collection method: in vitro. Allele origin: not applicable. Functional consequence: retained intron. Not counted in ClinVar's aggregate classification.

Dr. Peter K. Rogan Lab, Western University
No classification provided (evidence only). Condition: Thyroid cancer, nonmedullary, 1. Review status: no classification provided. Collection method: in vitro. Allele origin: not applicable. Functional consequence: retained intron. Not counted in ClinVar's aggregate classification.

Dr. Peter K. Rogan Lab, Western University
No classification provided (evidence only). Condition: Ovarian serous cystadenocarcinoma. Review status: no classification provided. Collection method: in vitro. Allele origin: not applicable. Functional consequence: retained intron. Not counted in ClinVar's aggregate classification.

Dr. Peter K. Rogan Lab, Western University
No classification provided (evidence only). Condition: Gastric cancer. Review status: no classification provided. Collection method: in vitro. Allele origin: not applicable. Functional consequence: retained intron. Not counted in ClinVar's aggregate classification.